The following is an entry in ClinVar:

NM_001556.3(IKBKB):c.1736G>A (p.Arg579Gln)

Gene: IKBKB (inhibitor of nuclear factor kappa B kinase subunit beta; plus strand). Cytogenetic location: 8p11.21.
Variant type: single nucleotide variant.
Coding change: c.1736G>A on transcript NM_001556.3 (MANE Select); coding-DNA position 1736, G replaced by A.
Protein change: p.Arg579Gln; replaces arginine 579 with glutamine.
Molecular consequence: missense variant. On other transcripts: non-coding transcript variant (3).
Genome position (GRCh38, 1-based): chr8:42,321,943, G>A. VCF-style: chr8-42321943-G-A. GRCh37 (hg19) VCF-style: chr8-42179461-G-A.
Other names: c.1544G>A, p.Arg515Gln (NM_001190720.3); c.1559G>A, p.Arg520Gln (NM_001242778.2); short protein forms R520Q, R579Q, R515Q.
Identifiers: ClinVar variation 2139597 (VCV002139597.5), dbSNP rs1220379326, ClinGen allele CA371092075.

ClinVar aggregate classification (germline): Uncertain significance. Review status: criteria provided, multiple submitters, no conflicts (2 of 4 stars). 2 submissions from 2 submitters: Uncertain significance (2). Last evaluated 2025-09-13.

Conditions:
Severe combined immunodeficiency due to IKK2 deficiency. Also called: IMMUNODEFICIENCY 15B; Immunodeficiency 15. Identifiers: Orphanet 397787, MedGen C4747743, MONDO:0014267, OMIM 615592.

Allele frequency attached by ClinVar (database versions not stated): TOPMed 0.00001; gnomAD 0.00002.
gnomAD v4.1: 34 of 1,613,176 alleles (0.0021%); highest among the groups gnomAD compares: Non-Finnish European, 0.0019%; no homozygotes.

Submissions (2):

Labcorp Genetics (formerly Invitae), Labcorp
Classification: Uncertain significance for Severe combined immunodeficiency due to IKK2 deficiency. Last evaluated: 2025-09-13. Review status: criteria provided, single submitter. Criteria: Invitae Variant Classification Sherloc (09022015). Collection method: clinical testing. Allele origin: germline.
Comment: This sequence change replaces arginine, which is basic and polar, with glutamine, which is neutral and polar, at codon 579 of the IKBKB protein (p.Arg579Gln). This variant is present in population databases (no rsID available, gnomAD 0.01%). This variant has not been reported in the literature in individuals affected with IKBKB-related conditions. ClinVar contains an entry for this variant (Variation ID: 2139597). An algorithm developed to predict the effect of missense changes on protein structure and function (PolyPhen-2) suggests that this variant is likely to be disruptive. In summary, the available evidence is currently insufficient to determine the role of this variant in disease. Therefore, it has been classified as a Variant of Uncertain Significance.

Blueprint Genetics
Classification: Uncertain significance. Last evaluated: 2022-04-05. Review status: criteria provided, single submitter. Criteria: ACMG Guidelines, 2015. Collection method: clinical testing. Allele origin: germline.